The following is an entry in ClinVar:

ClinVar aggregate classification (germline): Uncertain significance (1 of 4 stars; one submission).

Submission:

GeneDx
Classification: Uncertain significance. Last evaluated: 2022-02-23. Review status: criteria provided, single submitter. Criteria: GeneDx Variant Classification Process June 2021. Collection method: clinical testing. Allele origin: germline. Affected: yes.
Comment: Not observed at significant frequency in large population cohorts (gnomAD); In silico analysis supports that this missense variant does not alter protein structure/function; Has not been previously published as pathogenic or benign to our knowledge

NM_001326342.2(CELF2):c.1118T>C (p.Met373Thr)

Genes: CELF2 (CUGBP Elav-like family member 2; plus strand), CELF2-AS1 (CELF2 antisense RNA 1; minus strand). Cytogenetic location: 10p14.
Variant type: single nucleotide variant.
Coding change: c.1118T>C on transcript NM_001326342.2 (MANE Select); coding-DNA position 1118, T replaced by C.
Protein change: p.Met373Thr; replaces methionine 373 with threonine.
Molecular consequence: missense variant. On other transcripts: intron variant (1).
Genome position (GRCh38, 1-based): chr10:11,321,210, T>C. VCF-style: chr10-11321210-T-C. GRCh37 (hg19) VCF-style: chr10-11363173-T-C.
Other names: c.1025T>C, p.Met342Thr (NM_001025076.2, NM_001326318.2, NM_001326320.2 and 6 more transcripts); c.1079T>C, p.Met360Thr (NM_001025077.3, NM_001326319.2, NM_001326332.2); c.1019T>C, p.Met340Thr (NM_001083591.1); c.1007T>C, p.Met336Thr (NM_001326317.2, NM_001326329.2, NM_001326344.2 and 2 more transcripts); c.1049T>C, p.Met350Thr (NM_001326321.2); c.1067T>C, p.Met356Thr (NM_001326323.2); c.1172T>C, p.Met391Thr (NM_001326325.2, NM_001326343.2); c.1115T>C, p.Met372Thr (NM_001326326.2); and 14 more; short protein forms M132T, M138T, M249T, M255T, M336T, M340T, M342T, M348T.
Identifiers: ClinVar variation 1703269 (VCV001703269.2), dbSNP rs2549835426, ClinGen allele CA375970522.
Genomic context (GRCh38, chr10:11,321,210, plus strand): 5'-GTGCTGTTTCTCTTCTCTATTGTTGGGTTTTTTGTAAAGTTGCTCAAATGCTCTCAGGTA[T>C]GGCGGCTCTGAATGGAGGACTTGGCGCCACAGGCTTGACGAATGGCACGGCTGGCACCAT-3'
Protein context (NP_001313271.1, residues 363-383): ALAVAQMLSG[Met373Thr]AALNGGLGAT